The following is an entry in ClinVar:

NM_006565.4(CTCF):c.1837+4A>G

Gene: CTCF (CCCTC-binding factor; plus strand). Cytogenetic location: 16q22.1.
Variant type: single nucleotide variant.
Coding change: c.1837+4A>G on transcript NM_006565.4 (MANE Select); 4 bases into the intron after coding-DNA position 1837, A replaced by G.
Molecular consequence: intron variant.
Genome position (GRCh38, 1-based): chr16:67,629,537, A>G. VCF-style: chr16-67629537-A-G. GRCh37 (hg19) VCF-style: chr16-67663440-A-G.
Other names: c.1837+4A>G (NM_001438969.1, NM_001438968.1, NM_001363916.2); c.853+4A>G (NM_001191022.2).
Identifiers: ClinVar variation 4821461 (VCV004821461.5).

ClinVar aggregate classification (germline): Likely benign. Review status: criteria provided, multiple submitters, no conflicts (2 of 4 stars). 2 submissions from 2 submitters: Likely benign (2). Last evaluated 2026-02-01.

gnomAD v4.1: 68 of 1,612,688 alleles (0.0042%); highest among the groups gnomAD compares: Middle Eastern, 0.016%; no homozygotes.

Submissions (2):

CeGaT Center for Human Genetics Tuebingen
Classification: Likely benign. Last evaluated: 2026-02-01. Review status: criteria provided, single submitter. Criteria: CeGaT Center For Human Genetics Tuebingen Variant Classification Criteria Version 2. Collection method: clinical testing. Allele origin: germline. Affected: yes. Observed: 1 variant allele.
Comment: CTCF: BP4

Blueprint Genetics
Classification: Likely benign. Last evaluated: 2024-09-17. Review status: criteria provided, single submitter. Criteria: ACMG Guidelines, 2015. Collection method: clinical testing. Allele origin: germline.